The following is an entry in ClinVar:

ClinVar aggregate classification (germline): Pathogenic (1 of 4 stars; one submission).

Allele frequency attached by ClinVar (database versions not stated): gnomAD exomes below 0.00001.
gnomAD v4.1: 1 of 1,378,214 alleles (0.000073%); highest among the groups gnomAD compares: Non-Finnish European, 0.000094%; no homozygotes.

Submission:

GeneDx
Classification: Pathogenic. Last evaluated: 2015-09-20. Review status: criteria provided, single submitter. Criteria: GeneDx Variant Classification (06012015). Collection method: clinical testing. Allele origin: germline. Affected: yes.
Comment: The c.1480-2A>G variant in the WDR19 gene has not been reported previously as a pathogenic variant nor as a benign variant, to our knowledge. This splice site variant destroys the canonical splice acceptor site in intron 14. It is predicted to cause abnormal gene splicing, either leading to an abnormal message that is subject to nonsense-mediated mRNA decay, or to an abnormal protein product if the message is used for protein translation. The c.1480-2A>G variant was not observed in approximately 5,800 individuals of European and African American ancestry in the NHLBI Exome Sequencing Project, indicating it is not a common benign variant in these populations. We interpret c.1480-2A>G as a pathogenic variant.

NM_025132.4(WDR19):c.1480-2A>G

Gene: WDR19 (WD repeat domain 19; plus strand). Cytogenetic location: 4p14.
Variant type: single nucleotide variant.
Coding change: c.1480-2A>G on transcript NM_025132.4 (MANE Select); the canonical splice acceptor site of the intron before coding-DNA position 1480, A replaced by G.
Molecular consequence: splice acceptor variant.
Genome position (GRCh38, 1-based): chr4:39,224,882, A>G. VCF-style: chr4-39224882-A-G. GRCh37 (hg19) VCF-style: chr4-39226502-A-G.
Other names: c.1000-2A>G (NM_001317924.2).
Identifiers: ClinVar variation 429872 (VCV000429872.2), dbSNP rs774658703, ClinGen allele CA356631874.
Genomic context (GRCh38, chr4:39,224,882, plus strand): 5'-AAAGTTAGGATTTCCTTGACTACCTTTTATATTTTCATGGCTGGATTTTTTTTTTTTTTT[A>G]GACTGGTGTCGTTCAGTATTTCTACATTGAAGACTGGCAATTCGTTAATGATTATCGACA-3'